The following is an entry in ClinVar:

NM_001365088.1(SLC12A6):c.8C>T (p.Pro3Leu)

Gene: SLC12A6 (solute carrier family 12 member 6; minus strand). Cytogenetic location: 15q14.
Variant type: single nucleotide variant.
Coding change: c.8C>T on transcript NM_001365088.1 (MANE Select); coding-DNA position 8, C replaced by T.
Protein change: p.Pro3Leu; replaces proline 3 with leucine.
Molecular consequence: missense variant. On other transcripts: intron variant (3).
Genome position (GRCh38, 1-based): chr15:34,336,673, G>A on the plus strand (C>T on the coding strand, the complement: SLC12A6 is on the minus strand). VCF-style: chr15-34336673-G-A. GRCh37 (hg19) VCF-style: chr15-34628874-G-A.
Other names: c.8C>T, p.Pro3Leu (NM_001042497.2, NM_133647.2); c.-98-72C>T (NM_001042495.2, NM_001042494.2); c.-14-6C>T (NM_001042496.2); short protein forms P3L.
Identifiers: ClinVar variation 1428232 (VCV001428232.3), dbSNP rs2141213761, ClinGen allele CA391621889.

ClinVar aggregate classification (germline): Uncertain significance (1 of 4 stars; one submission).

Submission:

Labcorp Genetics (formerly Invitae), Labcorp
Classification: Uncertain significance. Last evaluated: 2022-10-13. Review status: criteria provided, single submitter. Criteria: Invitae Variant Classification Sherloc (09022015). Collection method: clinical testing. Allele origin: germline.
Comment: This sequence change replaces proline, which is neutral and non-polar, with leucine, which is neutral and non-polar, at codon 3 of the SLC12A6 protein (p.Pro3Leu). This variant is not present in population databases (gnomAD no frequency). This variant has not been reported in the literature in individuals affected with SLC12A6-related conditions. ClinVar contains an entry for this variant (Variation ID: 1428232). Algorithms developed to predict the effect of missense changes on protein structure and function are either unavailable or do not agree on the potential impact of this missense change (SIFT: "Deleterious"; PolyPhen-2: "Benign"; Align-GVGD: "Class C0"). In summary, the available evidence is currently insufficient to determine the role of this variant in disease. Therefore, it has been classified as a Variant of Uncertain Significance.